The following is an entry in ClinVar:

NM_004646.4(NPHS1):c.1905C>T (p.Ser635=)

Gene: NPHS1 (NPHS1 adhesion molecule, nephrin; minus strand). Cytogenetic location: 19q13.12.
Variant type: single nucleotide variant.
Coding change: c.1905C>T on transcript NM_004646.4 (MANE Select); coding-DNA position 1905, C replaced by T.
Protein change: p.Ser635=; no amino-acid change (serine 635 retained).
Molecular consequence: synonymous variant.
Genome position (GRCh38, 1-based): chr19:35,845,393, G>A on the plus strand (C>T on the coding strand, the complement: NPHS1 is on the minus strand). VCF-style: chr19-35845393-G-A. GRCh37 (hg19) VCF-style: chr19-36336295-G-A.
Identifiers: ClinVar variation 56454 (VCV000056454.3), dbSNP rs386833896, ClinGen allele CA250150.

ClinVar aggregate classification (germline): Uncertain significance. Review status: criteria provided, single submitter (1 of 4 stars). 2 submissions from 2 submitters: Uncertain significance (1). 1 of the submissions does not count toward it. Last evaluated 2024-07-03.

Conditions:
Finnish congenital nephrotic syndrome (NPHS1). Also called: NEPHROTIC SYNDROME, TYPE 1. Identifiers: Orphanet 839, MedGen C0403399, MONDO:0009732, OMIM 256300.

Allele frequency attached by ClinVar (database versions not stated): TOPMed below 0.00001.
gnomAD v4.1: 1 of 1,614,258 alleles (0.000062%); highest among the groups gnomAD compares: Non-Finnish European, 0.000085%; no homozygotes.

Submissions (2):

Women's Health and Genetics/Laboratory Corporation of America, LabCorp
Classification: Uncertain significance. Last evaluated: 2024-07-03. Review status: criteria provided, single submitter. Criteria: LabCorp Variant Classification Summary - May 2015. Collection method: clinical testing. Allele origin: germline.
Comment: Variant summary: NPHS1 c.1905C>T alters a conserved nucleotide resulting in a synonymous change. Several computational tools predict a significant impact on normal splicing: Four predict the variant creates or strengthens a cryptic 5' donor site. However, these predictions have yet to be confirmed by functional studies. The variant was absent in 251176 control chromosomes. The available data on variant occurrences in the general population are insufficient to allow any conclusion about variant significance. c.1905C>T has been reported in the literature in at least one compound heterozygous individual affected with classic severe Finnish type congenital nephrotic syndrome (e.g. Koziell_2002). These data do not provide sufficient evidence to allow any conclusion about variant significance. To our knowledge, no experimental evidence demonstrating an impact on protein function has been reported. The following publication has been ascertained in the context of this evaluation (PMID: 11854170). ClinVar contains an entry for this variant (Variation ID: 56454). Based on the evidence outlined above, the variant was classified as uncertain significance.

Juha Muilu Group; Institute for Molecular Medicine Finland (FIMM)
Classification: Likely pathogenic for Finnish congenital nephrotic syndrome. Review status: no assertion criteria provided. Collection method: not provided. Allele origin: unknown. Not counted in ClinVar's aggregate classification.
Comment: FinDis database variant: This variant was not found or characterized by our laboratory, data were collected from public sources: see reference
ClinVar note: Converted during submission from probable-pathogenic to Likely pathogenic.

Literature cited by the submitters: PubMed 11854170 (cited by Women's Health and Genetics/Laboratory Corporation of America, LabCorp).